The following is an entry in ClinVar:

ClinVar aggregate classification (germline): Uncertain significance (1 of 4 stars; one submission).

Conditions:
MYH9-related disorder. Identifiers: MedGen C1854520.

gnomAD v4.1: 3 of 1,614,162 alleles (0.00019%); highest among the groups gnomAD compares: Non-Finnish European, 0.00025%; no homozygotes.

Submission:

PreventionGenetics, part of Exact Sciences
Classification: Uncertain significance for MYH9-related condition. Last evaluated: 2026-03-12. Review status: criteria provided, single submitter. Criteria: ACMG Guidelines, 2015. Collection method: clinical testing. Allele origin: germline.
Comment: The MYH9 c.915T>G variant is predicted to result in the amino acid substitution p.Asn305Lys. To our knowledge, this variant has not been reported in the literature. This variant is reported in 0.0018% of alleles in individuals of European (Non-Finnish) descent in gnomAD. At the time of reporting, this variant is absent from the ClinVar database. At this time, the clinical significance of this variant is uncertain due to the absence of conclusive functional and genetic evidence.

NM_002473.6(MYH9):c.915T>G (p.Asn305Lys)

Gene: MYH9 (myosin heavy chain 9; minus strand). Cytogenetic location: 22q12.3.
Variant type: single nucleotide variant.
Coding change: c.915T>G on transcript NM_002473.6 (MANE Select); coding-DNA position 915, T replaced by G.
Protein change: p.Asn305Lys; replaces asparagine 305 with lysine.
Molecular consequence: missense variant.
Genome position (GRCh38, 1-based): chr22:36,320,317, A>C on the plus strand (T>G on the coding strand, the complement: MYH9 is on the minus strand). VCF-style: chr22-36320317-A-C. GRCh37 (hg19) VCF-style: chr22-36716362-A-C.
Other names: short protein forms N305K.
Identifiers: ClinVar variation 4988796 (VCV004988796.1).